The following is an entry in ClinVar:

NM_001079843.3(CASZ1):c.823G>C (p.Gly275Arg)

Gene: CASZ1 (castor zinc finger 1; minus strand). Cytogenetic location: 1p36.22.
Variant type: single nucleotide variant.
Coding change: c.823G>C on transcript NM_001079843.3 (MANE Select); coding-DNA position 823, G replaced by C.
Protein change: p.Gly275Arg; replaces glycine 275 with arginine.
Molecular consequence: missense variant.
Genome position (GRCh38, 1-based): chr1:10,660,219, C>G on the plus strand (G>C on the coding strand, the complement: CASZ1 is on the minus strand). VCF-style: chr1-10660219-C-G. GRCh37 (hg19) VCF-style: chr1-10720276-C-G.
Other names: c.823G>C, p.Gly275Arg (NM_017766.5); short protein forms G275R.
Identifiers: ClinVar variation 1374779 (VCV001374779.8), dbSNP rs546577003, ClinGen allele CA585308.

ClinVar aggregate classification (germline): Uncertain significance (1 of 4 stars; one submission).

gnomAD v4.1: 1 of 1,612,954 alleles (0.000062%); highest among the groups gnomAD compares: Admixed American, 0.0017%; no homozygotes.

Submission:

Labcorp Genetics (formerly Invitae), Labcorp
Classification: Uncertain significance. Last evaluated: 2021-02-21. Review status: criteria provided, single submitter. Criteria: Invitae Variant Classification Sherloc (09022015). Collection method: clinical testing. Allele origin: germline.
Comment: This sequence change replaces glycine with arginine at codon 275 of the CASZ1 protein (p.Gly275Arg). The glycine residue is weakly conserved and there is a moderate physicochemical difference between glycine and arginine. This variant is present in population databases (rs546577003, ExAC 0.009%). This variant has not been reported in the literature in individuals with CASZ1-related conditions. Algorithms developed to predict the effect of missense changes on protein structure and function (SIFT, PolyPhen-2, Align-GVGD) all suggest that this variant is likely to be tolerated, but these predictions have not been confirmed by published functional studies and their clinical significance is uncertain. In summary, the available evidence is currently insufficient to determine the role of this variant in disease. Therefore, it has been classified as a Variant of Uncertain Significance.